The following is an entry in ClinVar:

ClinVar aggregate classification (germline): Likely benign (1 of 4 stars; one submission).

Allele frequency attached by ClinVar (database versions not stated): gnomAD exomes 0.00001 and 0.00002; TOPMed 0.00004; ExAC 0.00005.
gnomAD v4.1: 3 of 1,210,104 alleles (0.00025%); highest among the groups gnomAD compares: Admixed American, 0.0065%; no homozygotes.

Submission:

GeneDx
Classification: Likely benign. Last evaluated: 2016-07-12. Review status: criteria provided, single submitter. Criteria: GeneDx Variant Classification (06012015). Collection method: clinical testing. Allele origin: germline. Affected: yes.
Comment: This variant is considered likely benign or benign based on one or more of the following criteria: it is a conservative change, it occurs at a poorly conserved position in the protein, it is predicted to be benign by multiple in silico algorithms, and/or has population frequency not consistent with disease.

NM_001353921.2(ARHGEF9):c.31-29639A>T

Gene: ARHGEF9 (Cdc42 guanine nucleotide exchange factor 9; minus strand). Cytogenetic location: Xq11.1.
Variant type: single nucleotide variant.
Coding change: c.31-29639A>T on transcript NM_001353921.2 (MANE Select); 29639 bases into the intron before coding-DNA position 31, A replaced by T.
Molecular consequence: intron variant. On other transcripts: 5 prime UTR variant (17).
Genome position (GRCh38, 1-based): chrX:63,754,350, T>A on the plus strand (A>T on the coding strand, the complement: ARHGEF9 is on the minus strand). VCF-style: chrX-63754350-T-A. GRCh37 (hg19) VCF-style: chrX-62974230-T-A.
Other names: c.-153A>T (NM_001173480.2); c.-38A>T (NM_001353924.2, NM_001353928.2, NM_001369030.1 and 2 more transcripts); c.-34A>T (NM_001353926.2, NM_001369031.1, NM_001369032.1 and 1 more transcripts); c.-90A>T (NM_001353927.2, NM_001369033.1, NM_001369034.1); c.-168A>T (NM_001369036.1); c.-395A>T (NM_001369037.1); c.-476A>T (NM_001369042.1); c.-720A>T (NM_001369045.1); and 6 more.
Identifiers: ClinVar variation 387495 (VCV000387495.1), dbSNP rs782573720, ClinGen allele CA10432015.